The following is an entry in ClinVar:

NM_201384.3(PLEC):c.3881A>T (p.Glu1294Val)

Gene: PLEC (plectin; minus strand). Cytogenetic location: 8q24.3.
Variant type: single nucleotide variant.
Coding change: c.3881A>T on transcript NM_201384.3 (MANE Select); coding-DNA position 3881, A replaced by T.
Protein change: p.Glu1294Val; replaces glutamic acid 1294 with valine.
Molecular consequence: missense variant.
Genome position (GRCh38, 1-based): chr8:143,927,041, T>A on the plus strand (A>T on the coding strand, the complement: PLEC is on the minus strand). VCF-style: chr8-143927041-T-A. GRCh37 (hg19) VCF-style: chr8-145001209-T-A.
Other names: c.3962A>T, p.Glu1321Val (NM_000445.5, NM_001410941.1); c.3839A>T, p.Glu1280Val (NM_201378.4); c.3815A>T, p.Glu1272Val (NM_201379.3); c.4292A>T, p.Glu1431Val (NM_201380.4); c.3785A>T, p.Glu1262Val (NM_201381.3); c.3881A>T, p.Glu1294Val (NM_201382.4); c.3893A>T, p.Glu1298Val (NM_201383.3); c.3962A>T (NM_000445.3); short protein forms E1280V, E1431V, E1272V, E1294V, E1321V, E1262V, E1298V.
Identifiers: ClinVar variation 1946148 (VCV001946148.8), dbSNP rs1554706509, ClinGen allele CA372563860.
Genomic context (GRCh38, chr8:143,927,041, plus strand): 5'-TGGATGACACTCTCTGATCCCGACTGGACCTTGGGCTTCTTGGCCGGGGAGGCCACCGGC[T>A]CAAGCTGCGCCTTGTACGTCACCAGCTGGAGTTCATAGTCCTGTGGCAATGCACTGCGGT-3'
Protein context (NP_958786.1, residues 1284-1304): LQLVTYKAQL[Glu1294Val]PVASPAKKPK

ClinVar aggregate classification (germline): Uncertain significance. Review status: criteria provided, multiple submitters, no conflicts (2 of 4 stars). 2 submissions from 2 submitters: Uncertain significance (2). Last evaluated 2022-06-03.

Conditions:
Epidermolysis bullosa simplex with nail dystrophy (EBS5D). Identifiers: MedGen C4225309, MONDO:0014661, OMIM 616487.
Epidermolysis bullosa simplex 5B, with muscular dystrophy (EBS5B). Also called: Epidermolysis bullosa simplex with muscular dystrophy; EPIDERMOLYSIS BULLOSA SIMPLEX AND LIMB-GIRDLE MUSCULAR DYSTROPHY. Identifiers: Orphanet 257, MedGen C2931072, MONDO:0009181, OMIM 226670.
Epidermolysis bullosa simplex, Ogna type (EBS5A). Also called: EPIDERMOLYSIS BULLOSA SIMPLEX 5A, OGNA TYPE; Pidermolysis bullosa simplex 5A, Ogna type. Identifiers: Orphanet 79401, MedGen C0432317, MONDO:0007555, OMIM 131950.
Epidermolysis bullosa simplex 5C, with pyloric atresia (EBS5C). Also called: PLEC-Related Epidermolysis Bullosa with Pyloric Atresia; Epidermolysis bullosa simplex with pyloric atresia; PLEC1-Related Epidermolysis Bullosa with Pyloric Atresia. Identifiers: Orphanet 158684, MedGen C2677349, MONDO:0012807, OMIM 612138.
Autosomal recessive limb-girdle muscular dystrophy type 2Q (LGMDR17). Also called: MUSCULAR DYSTROPHY, LIMB-GIRDLE, AUTOSOMAL RECESSIVE 17. Identifiers: Orphanet 254361, MedGen C3150989, MONDO:0013390, OMIM 613723.

Submissions (2):

Labcorp Genetics (formerly Invitae), Labcorp
Classification: Uncertain significance for Autosomal recessive limb-girdle muscular dystrophy type 2Q; Epidermolysis bullosa simplex, Ogna type; Epidermolysis bullosa simplex with nail dystrophy; Epidermolysis bullosa simplex 5C, with pyloric atresia; Epidermolysis bullosa simplex 5B, with muscular dystrophy. Last evaluated: 2022-06-03. Review status: criteria provided, single submitter. Criteria: Invitae Variant Classification Sherloc (09022015). Collection method: clinical testing. Allele origin: germline.
Comment: In summary, the available evidence is currently insufficient to determine the role of this variant in disease. Therefore, it has been classified as a Variant of Uncertain Significance. Algorithms developed to predict the effect of missense changes on protein structure and function are either unavailable or do not agree on the potential impact of this missense change (SIFT: "Deleterious"; PolyPhen-2: "Not Available"; Align-GVGD: "Class C35"). This variant has not been reported in the literature in individuals affected with PLEC-related conditions. This variant is not present in population databases (gnomAD no frequency). This sequence change replaces glutamic acid, which is acidic and polar, with valine, which is neutral and non-polar, at codon 1321 of the PLEC protein (p.Glu1321Val).

Revvity Omics, Revvity
Classification: Uncertain significance. Last evaluated: 2019-08-12. Review status: criteria provided, single submitter. Criteria: ACMG Guidelines, 2015. Collection method: clinical testing. Allele origin: germline.